The following is an entry in ClinVar:

ClinVar aggregate classification (germline): Uncertain significance (1 of 4 stars; one submission).

Conditions:
Congenital myopathy with internal nuclei and atypical cores. Also called: Myopathy, centronuclear, 4. Identifiers: Orphanet 319160, MedGen C4707232, MONDO:0013890, OMIM 614807.

Allele frequency attached by ClinVar (database versions not stated): gnomAD 0.00002; gnomAD exomes 0.00002 and 0.00004; TOPMed 0.00002; ExAC 0.00006.

Submission:

Labcorp Genetics (formerly Invitae), Labcorp
Classification: Uncertain significance for Congenital myopathy with internal nuclei and atypical cores. Last evaluated: 2025-06-01. Review status: criteria provided, single submitter. Criteria: Invitae Variant Classification Sherloc (09022015). Collection method: clinical testing. Allele origin: germline.
Comment: This sequence change replaces glycine, which is neutral and non-polar, with arginine, which is basic and polar, at codon 205 of the CCDC78 protein (p.Gly205Arg). This variant is present in population databases (rs759028646, gnomAD 0.01%). This variant has not been reported in the literature in individuals affected with CCDC78-related conditions. ClinVar contains an entry for this variant (Variation ID: 665430). Invitae Evidence Modeling of protein sequence and biophysical properties (such as structural, functional, and spatial information, amino acid conservation, physicochemical variation, residue mobility, and thermodynamic stability) indicates that this missense variant is not expected to disrupt CCDC78 protein function with a negative predictive value of 80%. In summary, the available evidence is currently insufficient to determine the role of this variant in disease. Therefore, it has been classified as a Variant of Uncertain Significance.

NM_001378030.1(CCDC78):c.613G>A (p.Gly205Arg)

Gene: CCDC78 (coiled-coil domain containing 78; minus strand). Cytogenetic location: 16p13.3.
Variant type: single nucleotide variant.
Coding change: c.613G>A on transcript NM_001378030.1 (MANE Select); coding-DNA position 613, G replaced by A.
Protein change: p.Gly205Arg; replaces glycine 205 with arginine.
Molecular consequence: missense variant. On other transcripts: non-coding transcript variant (5), intron variant (1).
Genome position (GRCh38, 1-based): chr16:724,937, C>T on the plus strand (G>A on the coding strand, the complement: CCDC78 is on the minus strand). VCF-style: chr16-724937-C-T. GRCh37 (hg19) VCF-style: chr16-774937-C-T.
Other names: c.613G>A, p.Gly205Arg (NM_001031737.3, NM_001378031.1); c.198+141G>A (NM_001378033.1); short protein forms G205R.
Identifiers: ClinVar variation 665430 (VCV000665430.8), dbSNP rs759028646, ClinGen allele CA7789499.